The following is an entry in ClinVar:

NM_000264.5(PTCH1):c.1612G>A (p.Gly538Arg)

Gene: PTCH1 (patched 1; minus strand). Cytogenetic location: 9q22.32.
Variant type: single nucleotide variant.
Coding change: c.1612G>A on transcript NM_000264.5 (MANE Select); coding-DNA position 1612, G replaced by A.
Protein change: p.Gly538Arg; replaces glycine 538 with arginine.
Molecular consequence: missense variant. On other transcripts: non-coding transcript variant (1).
Genome position (GRCh38, 1-based): chr9:95,476,150, C>T on the plus strand (G>A on the coding strand, the complement: PTCH1 is on the minus strand). VCF-style: chr9-95476150-C-T. GRCh37 (hg19) VCF-style: chr9-98238432-C-T.
Other names: c.1414G>A, p.Gly472Arg (NM_001083602.3); c.1609G>A, p.Gly537Arg (NM_001083603.3); c.1159G>A, p.Gly387Arg (NM_001083604.3, NM_001083605.3, NM_001083606.3 and 1 more transcripts); c.1456G>A, p.Gly486Arg (NM_001354918.2); short protein forms G387R, G472R, G486R, G537R, G538R.
Identifiers: ClinVar variation 1303908 (VCV001303908.11), dbSNP rs1347882326, ClinGen allele CA374118109.
Genomic context (GRCh38, chr9:95,476,150, plus strand): 5'-CTGTGACATTGCTGATGGACGTGAGGGCCACGCTGGCTCCTGTGCGCTTCAGGCACTCCC[C>T]GGTCCTGTCCTGGGAATAAAAAAACACAGCGCTGAGAGCTGCACTGGACATGGTCCCCTT-3'
Protein context (NP_000255.2, residues 528-548): NKRIPFEDRT[Gly538Arg]ECLKRTGASV

ClinVar aggregate classification (germline): Uncertain significance. Review status: criteria provided, multiple submitters, no conflicts (2 of 4 stars). 3 submissions from 3 submitters: Uncertain significance (3). Last evaluated 2025-11-07.

Conditions:
Hereditary cancer-predisposing syndrome. Also called: Neoplastic Syndromes, Hereditary; Hereditary Cancer Syndrome; Tumor predisposition; Hereditary neoplastic syndrome. Identifiers: Orphanet 140162, MedGen C0027672, MeSH D009386, MONDO:0015356.
Gorlin syndrome. Also called: Nevoid Basal Cell Carcinoma Syndrome; Basal cell nevus syndrome. Identifiers: Orphanet 377, MedGen C0004779, MONDO:0007187.

Allele frequency attached by ClinVar (database versions not stated): gnomAD exomes below 0.00001.
gnomAD v4.1: 2 of 1,612,018 alleles (0.00012%); highest among the groups gnomAD compares: African/African-American, 0.0013%; no homozygotes.

Submissions (3):

Ambry Genetics
Classification: Uncertain significance for Hereditary cancer-predisposing syndrome. Last evaluated: 2025-11-07. Review status: criteria provided, single submitter. Criteria: Ambry Variant Classification Scheme 2023. Collection method: clinical testing. Allele origin: germline.
Comment: The p.G538R variant (also known as c.1612G>A), located in coding exon 12 of the PTCH1 gene, results from a G to A substitution at nucleotide position 1612. The glycine at codon 538 is replaced by arginine, an amino acid with dissimilar properties. This variant was reported in individual(s) with features consistent with PTCH1-related nevoid basal cell carcinoma syndrome (Evans DG et al. J Med Genet, 2017 Aug;54:530-536; Ambry internal data). This amino acid position is highly conserved in available vertebrate species. In addition, this alteration is predicted to be deleterious by in silico analysis. Based on the available evidence, the clinical significance of this variant remains unclear.

GeneDx
Classification: Uncertain significance. Last evaluated: 2025-06-24. Review status: criteria provided, single submitter. Criteria: GeneDx Variant Classification Process June 2021. Collection method: clinical testing. Allele origin: germline. Affected: yes.
Comment: Observed in two family members with Gorlin syndrome in the published literature (PMID: 28596197); De novo variant with confirmed parentage in multiple patients referred for genetic testing at GeneDx however, the reported clinical features were only partially consistent with the features typically observed in individuals with pathogenic variants in this gene; Not observed at significant frequency in large population cohorts (gnomAD); In silico analysis supports that this missense variant has a deleterious effect on protein structure/function; This variant is associated with the following publications: (PMID: 11369205, 28596197)

Labcorp Genetics (formerly Invitae), Labcorp
Classification: Uncertain significance for Gorlin syndrome. Last evaluated: 2023-06-09. Review status: criteria provided, single submitter. Criteria: Invitae Variant Classification Sherloc (09022015). Collection method: clinical testing. Allele origin: germline.
Comment: Advanced modeling of protein sequence and biophysical properties (such as structural, functional, and spatial information, amino acid conservation, physicochemical variation, residue mobility, and thermodynamic stability) has been performed at Invitae for this missense variant, however the output from this modeling did not meet the statistical confidence thresholds required to predict the impact of this variant on PTCH1 protein function. ClinVar contains an entry for this variant (Variation ID: 1303908). This missense change has been observed in individual(s) with basal cell nevus syndrome (PMID: 28596197). This variant is not present in population databases (gnomAD no frequency). This sequence change replaces glycine, which is neutral and non-polar, with arginine, which is basic and polar, at codon 538 of the PTCH1 protein (p.Gly538Arg). In summary, the available evidence is currently insufficient to determine the role of this variant in disease. Therefore, it has been classified as a Variant of Uncertain Significance.

Literature cited by the submitters: PubMed 28596197 (cited by Ambry Genetics and Labcorp Genetics (formerly Invitae), Labcorp).